The following is an entry in ClinVar:

ClinVar aggregate classification (germline): Likely pathogenic (1 of 4 stars; one submission).

Submission:

GeneDx
Classification: Likely pathogenic. Last evaluated: 2019-01-17. Review status: criteria provided, single submitter. Criteria: GeneDx Variant Classification (06012015). Collection method: clinical testing. Allele origin: germline. Affected: yes.
Comment: The N313I variant in the EFEMP2 gene has not been reported previously as a pathogenic variant, nor as a benign variant, to our knowledge. The N313I variant is not observed in large population cohorts (Lek et al., 2016; 1000 Genomes Consortium et al., 2015; Exome Variant Server). The N313I variant is a non-conservative amino acid substitution, which is likely to impact secondary protein structure as these residues differ in polarity, charge, size and/or other properties. In addition, this substitution occurs at a position that is conserved across mammalian species, and in silico analysis predicts this variant is probably damaging to the protein structure/function. The N313I variant is a strong candidate for a pathogenic variant, however the possibility it may be a rare benign variant cannot be excluded.

NM_016938.5(EFEMP2):c.938A>T (p.Asn313Ile)

Gene: EFEMP2 (EGF containing fibulin extracellular matrix protein 2; minus strand). Cytogenetic location: 11q13.1.
Variant type: single nucleotide variant.
Coding change: c.938A>T on transcript NM_016938.5 (MANE Select); coding-DNA position 938, A replaced by T.
Protein change: p.Asn313Ile; replaces asparagine 313 with isoleucine.
Molecular consequence: missense variant. On other transcripts: non-coding transcript variant (1).
Genome position (GRCh38, 1-based): chr11:65,868,331, T>A on the plus strand (A>T on the coding strand, the complement: EFEMP2 is on the minus strand). VCF-style: chr11-65868331-T-A. GRCh37 (hg19) VCF-style: chr11-65635802-T-A.
Other names: short protein forms N313I.
Identifiers: ClinVar variation 423870 (VCV000423870.2), dbSNP rs1064796673, ClinGen allele CA16619373.